The following is an entry in ClinVar:

NM_000041.4(APOE):c.379G>C (p.Glu127Gln)

Gene: APOE (apolipoprotein E; plus strand). Cytogenetic location: 19q13.32.
Variant type: single nucleotide variant.
Coding change: c.379G>C on transcript NM_000041.4 (MANE Select); coding-DNA position 379, G replaced by C.
Protein change: p.Glu127Gln; replaces glutamic acid 127 with glutamine.
Molecular consequence: missense variant.
Genome position (GRCh38, 1-based): chr19:44,908,675, G>C. VCF-style: chr19-44908675-G-C. GRCh37 (hg19) VCF-style: chr19-45411932-G-C.
Other names: c.457G>C, p.Glu153Gln (NM_001302688.2); c.379G>C, p.Glu127Gln (NM_001302689.2, NM_001302690.2, NM_001302691.2); short protein forms E127Q, E153Q.
Identifiers: ClinVar variation 3934778 (VCV003934778.1).

ClinVar aggregate classification (germline): Uncertain significance (1 of 4 stars; one submission).

Conditions:
Cardiovascular phenotype. Identifiers: MedGen CN230736.

gnomAD v4.1: 4 of 1,575,384 alleles (0.00025%); highest among the groups gnomAD compares: South Asian, 0.0034%; no homozygotes.

Submission:

Ambry Genetics
Classification: Uncertain significance for Cardiovascular phenotype. Last evaluated: 2025-06-10. Review status: criteria provided, single submitter. Criteria: Ambry Variant Classification Scheme 2023. Collection method: clinical testing. Allele origin: germline.
Comment: The p.E127Q variant (also known as c.379G>C), located in coding exon 3 of the APOE gene, results from a G to C substitution at nucleotide position 379. The glutamic acid at codon 127 is replaced by glutamine, an amino acid with highly similar properties. This amino acid position is conserved. In addition, this alteration is predicted to be tolerated by in silico analysis. Based on the available evidence, the clinical significance of this variant remains unclear.